The following is an entry in ClinVar:

ClinVar aggregate classification (germline): Pathogenic (1 of 4 stars; one submission).

Conditions:
Hyperinsulinemic hypoglycemia, familial, 1 (HHF1). Also called: HYPERINSULINISM, FAMILIAL, WITH PANCREATIC NESIDIOBLASTOSIS; HYPOGLYCEMIA, HYPERINSULINEMIC, OF INFANCY; NESIDIOBLASTOSIS OF PANCREAS; Persistent Hyperinsulinemia Hypoglycemia of Infancy; Persistent hyperinsulinemic hypoglycemia of infancy. Identifiers: Orphanet 276575, Orphanet 276598, MedGen C2931832, MONDO:0009734, OMIM 256450.

Submission:

Myriad Genetics, Inc.
Classification: Pathogenic for Hyperinsulinemic hypoglycemia, familial, 1. Last evaluated: 2023-09-27. Review status: criteria provided, single submitter. Criteria: Myriad Autosomal Dominant, Autosomal Recessive and X-Linked Classification Criteria (2023). Collection method: clinical testing. Allele origin: unknown.
Comment: NM_000352.3(ABCC8):c.2492dupG(G832Wfs*23) is expected to be pathogenic in the context of familial hyperinsulinism, ABCC8-related. This variant is predicted to lead to an abnormal or absent protein product due to the creation of a premature termination codon in ABCC8, a gene where loss-of-function variants are known to be pathogenic. Please note: this variant was assessed in the context of healthy population screening.

NM_000352.6(ABCC8):c.2492dup (p.Gly832fs)

Gene: ABCC8 (ATP binding cassette subfamily C member 8; minus strand). Cytogenetic location: 11p15.1.
Variant type: Duplication.
Coding change: c.2492dup on transcript NM_000352.6 (MANE Select); coding-DNA position 2492, one base duplicated (G; older notation c.2492dupG).
Protein change: p.Gly832fs; shifts the reading frame from glycine 832.
Molecular consequence: frameshift variant. On other transcripts: non-coding transcript variant (1).
Genome position (GRCh38, 1-based): chr11:17,412,730, C duplicated on the plus strand (G on the coding strand, the reverse complement: ABCC8 is on the minus strand); the first of 2 consecutive C bases (chr11:17,412,730-17,412,731); duplicating either gives the same sequence. VCF-style (leftmost placement, unchanged base first): chr11-17412729-A-AC. GRCh37 (hg19) VCF-style: chr11-17434276-A-AC.
Other names: c.2495dup, p.Gly833fs (NM_001287174.3); c.2558dup, p.Gly854fs (NM_001351295.2); c.2492dup, p.Gly832fs (NM_001351296.2); c.2489dup, p.Gly831fs (NM_001351297.2); short protein forms G831fs, G832fs, G833fs, G854fs.
Identifiers: ClinVar variation 5011883 (VCV005011883.1).